The following is an entry in ClinVar:

NM_007294.4(BRCA1):c.5127A>C (p.Gly1709=)

Gene: BRCA1 (BRCA1 DNA repair associated; minus strand). Cytogenetic location: 17q21.31.
Variant type: single nucleotide variant.
Coding change: c.5127A>C on transcript NM_007294.4 (MANE Select); coding-DNA position 5127, A replaced by C.
Protein change: p.Gly1709=; no amino-acid change (glycine 1709 retained).
Molecular consequence: synonymous variant. On other transcripts: intron variant (2).
Genome position (GRCh38, 1-based): chr17:43,063,899, T>G on the plus strand (A>C on the coding strand, the complement: BRCA1 is on the minus strand). VCF-style: chr17-43063899-T-G. GRCh37 (hg19) VCF-style: chr17-41215916-T-G.
Other names: c.4986A>C, p.Gly1662= (NM_001407695.1, NM_001407696.1, NM_001407697.1 and 13 more transcripts); c.4983A>C, p.Gly1661= (NM_001407732.1, NM_001407733.1, NM_001407734.1 and 21 more transcripts); c.4980A>C, p.Gly1660= (NM_001407838.1, NM_001407839.1, NM_001407841.1 and 12 more transcripts); c.5127A>C, p.Gly1709= (NM_001407854.1, NM_001407593.1, NM_001407594.1 and 7 more transcripts); c.5124A>C, p.Gly1708= (NM_001407858.1, NM_001407859.1, NM_001407860.1 and 17 more transcripts); c.5121A>C, p.Gly1707= (NM_001407861.1, NM_001407627.1, NM_001407628.1 and 14 more transcripts); c.4926A>C, p.Gly1642= (NM_001407862.1); c.4920A>C, p.Gly1640= (NM_001407874.1, NM_001407875.1); and 73 more.
Identifiers: ClinVar variation 868689 (VCV000868689.3), dbSNP rs2051916034, ClinGen allele CA500146174.

Conditions:
Breast-ovarian cancer, familial, susceptibility to, 1 (BROVCA1). Also called: BRCA1 Hereditary Breast and Ovarian Cancer; OVARIAN CANCER, SUSCEPTIBILITY TO. Identifiers: Orphanet 145, MedGen C2676676, MONDO:0011450, OMIM 604370. Disease mechanism: loss of function.

Submission:

Brotman Baty Institute, University of Washington
No classification provided (evidence only). Condition: Breast-ovarian cancer, familial 1. Review status: no classification provided. Collection method: in vitro. Allele origin: not applicable. Functional consequence: functionally_normal.
ClinVar note: "not provided" was previously submitted as the classification for the variant. However, the classification appeared to be based only on an observation of functional data so it was converted to no classification on 2025-07-30.